The following is an entry in ClinVar:

ClinVar aggregate classification (germline): Likely pathogenic (1 of 4 stars; one submission).

Conditions:
Niemann-Pick disease, type B. Also called: Chronic Visceral ASMD (Niemann-Pick Disease Type B; NPD-B). Identifiers: Orphanet 77293, MedGen C0268243, MONDO:0011871, OMIM 607616. Disease mechanism: loss of function.
Niemann-Pick disease, type A. Also called: Infantile Neurovisceral ASMD (Niemann-Pick Disease Type A; NPD-A); SPHINGOMYELIN LIPIDOSIS; SPHINGOMYELINASE DEFICIENCY. Identifiers: Orphanet 77292, MedGen C0268242, MONDO:0009756, OMIM 257200. Disease mechanism: loss of function.

gnomAD v4.1: 9 of 1,614,126 alleles (0.00056%); highest among the groups gnomAD compares: South Asian, 0.0011%; no homozygotes.

Submission:

Labcorp Genetics (formerly Invitae), Labcorp
Classification: Likely pathogenic for Niemann-Pick disease, type B; Niemann-Pick disease, type A. Last evaluated: 2023-09-21. Review status: criteria provided, single submitter. Criteria: Invitae Variant Classification Sherloc (09022015). Collection method: clinical testing. Allele origin: germline.
Comment: In summary, the currently available evidence indicates that the variant is pathogenic, but additional data are needed to prove that conclusively. Therefore, this variant has been classified as Likely Pathogenic. This variant disrupts the p.Arg498 amino acid residue in SMPD1. Other variant(s) that disrupt this residue have been determined to be pathogenic (PMID: 12369017, 23356216). This suggests that this residue is clinically significant, and that variants that disrupt this residue are likely to be disease-causing. Advanced modeling of protein sequence and biophysical properties (such as structural, functional, and spatial information, amino acid conservation, physicochemical variation, residue mobility, and thermodynamic stability) performed at Invitae indicates that this missense variant is expected to disrupt SMPD1 protein function. ClinVar contains an entry for this variant (Variation ID: 1507898). This missense change has been observed in individual(s) with clinical features of Niemann-Pick disease (PMID: 31965297, 33675270). This variant is present in population databases (no rsID available, gnomAD 0.003%). This sequence change replaces arginine, which is basic and polar, with proline, which is neutral and non-polar, at codon 498 of the SMPD1 protein (p.Arg498Pro).

Literature cited by the submitters: PubMed 12369017; PubMed 23356216; PubMed 31965297; PubMed 33675270.

NM_000543.5(SMPD1):c.1493G>C (p.Arg498Pro)

Gene: SMPD1 (sphingomyelin phosphodiesterase 1; plus strand). Cytogenetic location: 11p15.4.
Variant type: single nucleotide variant.
Coding change: c.1493G>C on transcript NM_000543.5 (MANE Select); coding-DNA position 1493, G replaced by C.
Protein change: p.Arg498Pro; replaces arginine 498 with proline.
Molecular consequence: missense variant. On other transcripts: non-coding transcript variant (2).
Genome position (GRCh38, 1-based): chr11:6,394,204, G>C. VCF-style: chr11-6394204-G-C. GRCh37 (hg19) VCF-style: chr11-6415434-G-C.
Other names: c.1490G>C, p.Arg497Pro (NM_001007593.3); c.1513G>C, p.Val505Leu (NM_001318087.2); c.572G>C, p.Arg191Pro (NM_001318088.2); c.1361G>C, p.Arg454Pro (NM_001365135.2); short protein forms R191P, R497P, V505L, R454P, R498P.
Identifiers: ClinVar variation 1507898 (VCV001507898.8), dbSNP rs120074117, ClinGen allele CA379375760.